The following is an entry in ClinVar:

ClinVar aggregate classification (germline): Uncertain significance. Review status: criteria provided, multiple submitters, no conflicts (2 of 4 stars). 2 submissions from 2 submitters: Uncertain significance (2). Last evaluated 2025-04-11.

Conditions:
Inborn genetic diseases. Identifiers: MedGen C0950123, MeSH D030342.

gnomAD v4.1: 2 of 1,609,898 alleles (0.00012%); highest among the groups gnomAD compares: African/African-American, 0.0013%; no homozygotes.

Submissions (2):

Ambry Genetics
Classification: Uncertain significance for Inborn genetic diseases. Last evaluated: 2025-04-11. Review status: criteria provided, single submitter. Criteria: Ambry Variant Classification Scheme 2023. Collection method: clinical testing. Allele origin: germline.
Comment: The p.S15F variant (also known as c.44C>T), located in coding exon 1 of the ANKRD26 gene, results from a C to T substitution at nucleotide position 44. The serine at codon 15 is replaced by phenylalanine, an amino acid with highly dissimilar properties. This amino acid position is conserved. In addition, this alteration is predicted to be tolerated by in silico analysis. Based on the available evidence, the clinical significance of this variant remains unclear.

Labcorp Genetics (formerly Invitae), Labcorp
Classification: Uncertain significance. Last evaluated: 2024-09-11. Review status: criteria provided, single submitter. Criteria: Invitae Variant Classification Sherloc (09022015). Collection method: clinical testing. Allele origin: germline.
Comment: This sequence change replaces serine, which is neutral and polar, with phenylalanine, which is neutral and non-polar, at codon 15 of the ANKRD26 protein (p.Ser15Phe). This variant is not present in population databases (gnomAD no frequency). This variant has not been reported in the literature in individuals affected with ANKRD26-related conditions. An algorithm developed to predict the effect of missense changes on protein structure and function outputs the following: PolyPhen-2: "Benign". The phenylalanine amino acid residue is found in multiple mammalian species, which suggests that this missense change does not adversely affect protein function. In summary, the available evidence is currently insufficient to determine the role of this variant in disease. Therefore, it has been classified as a Variant of Uncertain Significance.

NM_014915.3(ANKRD26):c.44C>T (p.Ser15Phe)

Genes: ANKRD26 (ankyrin repeat domain 26; minus strand), LOC130003554 (ATAC-STARR-seq lymphoblastoid silent region 2243; plus strand). Cytogenetic location: 10p12.1.
Variant type: single nucleotide variant.
Coding change: c.44C>T on transcript NM_014915.3 (MANE Select); coding-DNA position 44, C replaced by T.
Protein change: p.Ser15Phe; replaces serine 15 with phenylalanine.
Molecular consequence: missense variant.
Genome position (GRCh38, 1-based): chr10:27,100,283, G>A on the plus strand (C>T on the coding strand, the complement: ANKRD26 is on the minus strand). VCF-style: chr10-27100283-G-A. GRCh37 (hg19) VCF-style: chr10-27389212-G-A.
Other names: c.44C>T, p.Ser15Phe (NM_001256053.2); short protein forms S15F.
Identifiers: ClinVar variation 3607945 (VCV003607945.3).
Genomic context (GRCh38, chr10:27,100,283, plus strand): 5'-TAGGCGCCCTCCCCCGGCTCGCCCCCGCCTCCCGCGCTGCTCCTCTGCCGCCGCGCGAAG[G>A]AGCCCAAGGGCGACTCGCCCTTCTTACTAAAAATCTTCTTCATGGCCCAGGCGACCGGGC-3'
Protein context (NP_055730.2, residues 5-25): FSKKGESPLG[Ser15Phe]FARRQRSSAG